The following is an entry in ClinVar:

ClinVar aggregate classification (germline): Uncertain significance (1 of 4 stars; one submission).

gnomAD v4.1: 1 of 1,614,072 alleles (0.000062%); no homozygotes.

Submission:

Labcorp Genetics (formerly Invitae), Labcorp
Classification: Uncertain significance. Last evaluated: 2023-12-07. Review status: criteria provided, single submitter. Criteria: Invitae Variant Classification Sherloc (09022015). Collection method: clinical testing. Allele origin: germline.
Comment: This sequence change replaces arginine, which is basic and polar, with leucine, which is neutral and non-polar, at codon 287 of the STT3A protein (p.Arg287Leu). This variant is not present in population databases (gnomAD no frequency). This variant has not been reported in the literature in individuals affected with STT3A-related conditions. Advanced modeling of protein sequence and biophysical properties (such as structural, functional, and spatial information, amino acid conservation, physicochemical variation, residue mobility, and thermodynamic stability) performed at Invitae indicates that this missense variant is expected to disrupt STT3A protein function with a positive predictive value of 80%. In summary, the available evidence is currently insufficient to determine the role of this variant in disease. Therefore, it has been classified as a Variant of Uncertain Significance.

NM_152713.5(STT3A):c.860G>T (p.Arg287Leu)

Gene: STT3A (STT3 oligosaccharyltransferase complex catalytic subunit A; plus strand). Cytogenetic location: 11q24.2.
Variant type: single nucleotide variant.
Coding change: c.860G>T on transcript NM_152713.5 (MANE Select); coding-DNA position 860, G replaced by T.
Protein change: p.Arg287Leu; replaces arginine 287 with leucine.
Molecular consequence: missense variant.
Genome position (GRCh38, 1-based): chr11:125,608,188, G>T. VCF-style: chr11-125608188-G-T. GRCh37 (hg19) VCF-style: chr11-125478083-G-T.
Other names: c.860G>T, p.Arg287Leu (NM_001278503.2); c.584G>T, p.Arg195Leu (NM_001278504.2); short protein forms R195L, R287L.
Identifiers: ClinVar variation 2846665 (VCV002846665.3), dbSNP rs762878130, ClinGen allele CA383184703.